The following is an entry in ClinVar:

NM_001377295.2(GNAT2):c.887ATG[2] (p.Asp298del)

Gene: GNAT2 (G protein subunit alpha transducin 2; minus strand). Cytogenetic location: 1p13.3.
Variant type: Microsatellite.
Coding change: c.887ATG[2] on transcript NM_001377295.2 (MANE Select); two copies in a row of the 3-base unit ATG starting at c.887; the reference has three copies in a row; one copy, 3 bases deleted.
Protein change: p.Asp298del; deletes aspartic acid 298.
Molecular consequence: inframe deletion.
Genome position (GRCh38, 1-based): chr1:109,603,524-109,603,526, CAT deleted on the plus strand (ATG on the coding strand, the reverse complement: GNAT2 is on the minus strand); deleting any 3 consecutive bases within chr1:109,603,524-109,603,532 gives the same sequence; the position shown is the placement nearest the transcript's 3' end. VCF-style (leftmost placement, unchanged base first): chr1-109603523-GCAT-G. GRCh37 (hg19) VCF-style: chr1-110146145-GCAT-G.
Other names: c.887ATG[2], p.Asp298del (NM_001379232.1, NM_005272.5); short protein forms D298del.
Identifiers: ClinVar variation 1519280 (VCV001519280.9), dbSNP rs757394970, ClinGen allele CA992274.

ClinVar aggregate classification (germline): Uncertain significance. Review status: criteria provided, multiple submitters, no conflicts (2 of 4 stars). 2 submissions from 2 submitters: Uncertain significance (2). Last evaluated 2020-12-23.

Submissions (2):

Labcorp Genetics (formerly Invitae), Labcorp
Classification: Uncertain significance. Last evaluated: 2020-12-23. Review status: criteria provided, single submitter. Criteria: Invitae Variant Classification Sherloc (09022015). Collection method: clinical testing. Allele origin: germline.
Comment: In summary, the available evidence is currently insufficient to determine the role of this variant in disease. Therefore, it has been classified as a Variant of Uncertain Significance. Experimental studies and prediction algorithms are not available or were not evaluated, and the functional significance of this variant is currently unknown. This variant has not been reported in the literature in individuals with GNAT2-related conditions. This variant is present in population databases (rs757394970, ExAC 0.001%). This variant, c.893_895del, results in the deletion of 1 amino acid(s) of the GNAT2 protein (p.Asp298del), but otherwise preserves the integrity of the reading frame.

Blueprint Genetics
Classification: Uncertain significance. Last evaluated: 2019-10-04. Review status: criteria provided, single submitter. Criteria: ACMG Guidelines, 2015. Collection method: clinical testing. Allele origin: germline.